The following is an entry in ClinVar:

ClinVar aggregate classification (germline): Uncertain significance (1 of 4 stars; one submission).

gnomAD v4.1: 3 of 1,613,076 alleles (0.00019%); highest among the groups gnomAD compares: Admixed American, 0.005%; no homozygotes.

Submission:

Women's Health and Genetics/Laboratory Corporation of America, LabCorp
Classification: Uncertain significance. Last evaluated: 2026-01-05. Review status: criteria provided, single submitter. Criteria: LabCorp Variant Classification Summary - May 2015. Collection method: clinical testing. Allele origin: germline.
Comment: Variant summary: POLR1C c.994A>C (p.Lys332Gln) results in a conservative amino acid change in the encoded protein sequence. Algorithms developed to predict the effect of missense changes on protein structure and function are either unavailable or do not agree on the potential impact of this missense change. The variant allele was found at a frequency of 4e-06 in 251404 control chromosomes. The available data on variant occurrences in the general population are insufficient to allow any conclusion about variant significance. To our knowledge, no occurrence of c.994A>C in individuals affected with POLR1C-related conditions and no experimental evidence demonstrating its impact on protein function have been reported. No submitters have cited clinical-significance assessments for this variant to ClinVar. Based on the evidence outlined above, the variant was classified as uncertain significance.

NM_203290.4(POLR1C):c.994A>C (p.Lys332Gln)

Gene: POLR1C (RNA polymerase I and III subunit C; plus strand). Cytogenetic location: 6p21.1.
Variant type: single nucleotide variant.
Coding change: c.994A>C on transcript NM_203290.4 (MANE Select); coding-DNA position 994, A replaced by C.
Protein change: p.Lys332Gln; replaces lysine 332 with glutamine.
Molecular consequence: missense variant. On other transcripts: intron variant (2).
Genome position (GRCh38, 1-based): chr6:43,521,253, A>C. VCF-style: chr6-43521253-A-C. GRCh37 (hg19) VCF-style: chr6-43488991-A-C.
Other names: c.922+205A>C (NM_001363658.2, NM_001318876.2); short protein forms K332Q.
Identifiers: ClinVar variation 4689633 (VCV004689633.1).